The following is an entry in ClinVar:

NM_003128.3(SPTBN1):c.4743A>C (p.Thr1581=)

Gene: SPTBN1 (spectrin beta, non-erythrocytic 1; plus strand). Cytogenetic location: 2p16.2.
Variant type: single nucleotide variant.
Coding change: c.4743A>C on transcript NM_003128.3 (MANE Select); coding-DNA position 4743, A replaced by C.
Protein change: p.Thr1581=; no amino-acid change (threonine 1581 retained).
Molecular consequence: synonymous variant.
Genome position (GRCh38, 1-based): chr2:54,646,352, A>C. VCF-style: chr2-54646352-A-C. GRCh37 (hg19) VCF-style: chr2-54873489-A-C.
Other names: c.4704A>C, p.Thr1568= (NM_178313.3).
Identifiers: ClinVar variation 4873153 (VCV004873153.2).

ClinVar aggregate classification (germline): Likely benign (1 of 4 stars; one submission).

Submission:

CeGaT Center for Human Genetics Tuebingen
Classification: Likely benign. Last evaluated: 2026-07-01. Review status: criteria provided, single submitter. Criteria: CeGaT Center For Human Genetics Tuebingen Variant Classification Criteria Version 2. Collection method: clinical testing. Allele origin: germline. Affected: yes. Observed: 1 variant allele.
Comment: SPTBN1: PM2:Supporting, BP4, BP7